The following is an entry in ClinVar:

NM_153603.4(COG7):c.2269C>T (p.Arg757Cys)

Gene: COG7 (component of oligomeric golgi complex 7; minus strand). Cytogenetic location: 16p12.2.
Variant type: single nucleotide variant.
Coding change: c.2269C>T on transcript NM_153603.4 (MANE Select); coding-DNA position 2269, C replaced by T.
Protein change: p.Arg757Cys; replaces arginine 757 with cysteine.
Molecular consequence: missense variant.
Genome position (GRCh38, 1-based): chr16:23,388,964, G>A on the plus strand (C>T on the coding strand, the complement: COG7 is on the minus strand). VCF-style: chr16-23388964-G-A. GRCh37 (hg19) VCF-style: chr16-23400285-G-A.
Other names: c.2269C>T (NM_153603.3); short protein forms R757C.
Identifiers: ClinVar variation 2147399 (VCV002147399.2), dbSNP rs576601689, ClinGen allele CA7960720.

ClinVar aggregate classification (germline): Uncertain significance. Review status: criteria provided, multiple submitters, no conflicts (2 of 4 stars). 2 submissions from 2 submitters: Uncertain significance (2). Last evaluated 2024-08-10.

Conditions:
COG7 congenital disorder of glycosylation (CDG2E). Also called: CONGENITAL DISORDER OF GLYCOSYLATION, TYPE IIe; CDG IIe. Identifiers: Orphanet 79333, MedGen C2931010, MONDO:0012118, OMIM 608779.
Inborn genetic diseases. Identifiers: MedGen C0950123, MeSH D030342.

Allele frequency attached by ClinVar (database versions not stated): ExAC 0.00002; gnomAD 0.00003; TOPMed 0.00004; gnomAD exomes 0.00006.
gnomAD v4.1: 94 of 1,613,972 alleles (0.0058%); highest among the groups gnomAD compares: Middle Eastern, 0.016%; no homozygotes.

Submissions (2):

Ambry Genetics
Classification: Uncertain significance for Inborn genetic diseases. Last evaluated: 2024-08-10. Review status: criteria provided, single submitter. Criteria: Ambry Variant Classification Scheme 2023. Collection method: clinical testing. Allele origin: germline.

Labcorp Genetics (formerly Invitae), Labcorp
Classification: Uncertain significance for COG7 congenital disorder of glycosylation. Last evaluated: 2022-05-24. Review status: criteria provided, single submitter. Criteria: Invitae Variant Classification Sherloc (09022015). Collection method: clinical testing. Allele origin: germline.
Comment: This sequence change replaces arginine, which is basic and polar, with cysteine, which is neutral and slightly polar, at codon 757 of the COG7 protein (p.Arg757Cys). This variant is present in population databases (rs576601689, gnomAD 0.006%). This variant has not been reported in the literature in individuals affected with COG7-related conditions. Algorithms developed to predict the effect of missense changes on protein structure and function are either unavailable or do not agree on the potential impact of this missense change (SIFT: "Deleterious"; PolyPhen-2: "Probably Damaging"; Align-GVGD: "Class C0"). In summary, the available evidence is currently insufficient to determine the role of this variant in disease. Therefore, it has been classified as a Variant of Uncertain Significance.